The following is an entry in ClinVar:

ClinVar aggregate classification (germline): Uncertain significance (1 of 4 stars; one submission).

Submission:

Labcorp Genetics (formerly Invitae), Labcorp
Classification: Uncertain significance. Last evaluated: 2025-10-22. Review status: criteria provided, single submitter. Criteria: Invitae Variant Classification Sherloc (09022015). Collection method: clinical testing. Allele origin: germline.
Comment: This sequence change creates a premature translational stop signal (p.Lys547Asnfs*4) in the PIGB gene. While this is not anticipated to result in nonsense mediated decay, it is expected to disrupt the last 8 amino acid(s) of the PIGB protein. This variant is present in population databases (rs746015165, gnomAD 0.03%). This variant has not been reported in the literature in individuals affected with PIGB-related conditions. ClinVar contains an entry for this variant (Variation ID: 1988600). Experimental studies and prediction algorithms are not available or were not evaluated, and the functional significance of this variant is currently unknown. Algorithms developed to predict the effect of sequence changes on RNA splicing suggest that this variant may disrupt the consensus splice site. In summary, the available evidence is currently insufficient to determine the role of this variant in disease. Therefore, it has been classified as a Variant of Uncertain Significance.

NM_004855.5(PIGB):c.1635del (p.Lys547fs)

Genes: CCPG1 (cell cycle progression 1; minus strand), DNAAF4-CCPG1 (DNAAF4-CCPG1 readthrough (NMD candidate); minus strand), PIGB (phosphatidylinositol glycan anchor biosynthesis class B; plus strand). Cytogenetic location: 15q21.3.
Variant type: Deletion.
Coding change: c.1635del on transcript NM_004855.5 (MANE Select); coding-DNA position 1635, one base deleted (A; older notation c.1635delA).
Protein change: p.Lys547fs; shifts the reading frame from lysine 547.
Molecular consequence: frameshift variant. On other transcripts: non-coding transcript variant (1), 3 prime UTR variant (4).
Genome position (GRCh38, 1-based): chr15:55,355,402, A deleted; the last of 4 consecutive A bases (chr15:55,355,399-55,355,402); deleting any one gives the same sequence. VCF-style (leftmost placement, unchanged base first): chr15-55355398-TA-T. GRCh37 (hg19) VCF-style: chr15-55647596-TA-T.
Other names: c.*821del (NM_001204450.2, NM_001204451.2); c.*4100del (NM_004748.6, NM_020739.5); short protein forms K547fs.
Identifiers: ClinVar variation 1988600 (VCV001988600.2), dbSNP rs746015165, ClinGen allele CA7574145.